The following is an entry in ClinVar:

NM_001723.7(DST):c.6390_6392del (p.Asn2130del)

Gene: DST (dystonin; minus strand). Cytogenetic location: 6p12.1.
Variant type: Deletion.
Coding change: c.6390_6392del on transcript NM_001723.7 (MANE Plus Clinical); coding-DNA positions 6390 to 6392, 3 bases deleted (CAA; older notation c.6390_6392delCAA).
Protein change: p.Asn2130del; deletes asparagine 2130.
Molecular consequence: inframe deletion. On other transcripts: intron variant (10).
Genome position (GRCh38, 1-based): chr6:56,617,075-56,617,077, TTG deleted on the plus strand (CAA on the coding strand, the reverse complement: DST is on the minus strand); deleting any 3 consecutive bases within chr6:56,617,075-56,617,079 gives the same sequence; the c. name uses the placement nearest the transcript's 3' end. VCF-style (leftmost placement, unchanged base first): chr6-56617074-CTTG-C. GRCh37 (hg19) VCF-style: chr6-56481872-CTTG-C.
Other names: c.6390_6392delCAA (NM_001723.5); c.4831-2593_4831-2591del (NM_001144769.5); c.4930-2593_4930-2591del (NM_001374722.1, NM_001374736.1); c.4957-2593_4957-2591del (NM_001374734.1); c.4417-2593_4417-2591del (NM_001144770.2); c.4297-2593_4297-2591del (NM_001374730.1, NM_001386100.1, NM_183380.4 and 1 more transcripts); c.3319-2593_3319-2591del (NM_015548.5); short protein forms N2130del.
Identifiers: ClinVar variation 2937954 (VCV002937954.4), dbSNP rs768170608, ClinGen allele CA3870178.

ClinVar aggregate classification (germline): Uncertain significance. Review status: criteria provided, multiple submitters, no conflicts (2 of 4 stars). 2 submissions from 2 submitters: Uncertain significance (2). Last evaluated 2026-05-16.

Conditions:
DST-related disorder. Also called: DST-related condition; DST-related disorders.
Epidermolysis bullosa simplex 3, localized or generalized intermediate, with BP230 deficiency (EBS3). Also called: Epidermolysis bullosa simplex, autosomal recessive 2; Epidermolysis bullosa simplex due to BP230 deficiency. Identifiers: Orphanet 412181, MedGen C3809470, MONDO:0014180, OMIM 615425.
Hereditary sensory and autonomic neuropathy type 6. Also called: Neuropathy, hereditary sensory and autonomic, type VI; HSAN VI. Identifiers: Orphanet 314381, MedGen C3539003, MONDO:0013839, OMIM 614653.

Submissions (2):

PreventionGenetics, part of Exact Sciences
Classification: Uncertain significance for DST-related condition. Last evaluated: 2026-05-16. Review status: criteria provided, single submitter. Criteria: ACMG Guidelines, 2015. Collection method: clinical testing. Allele origin: germline.
Comment: The DST c.6390_6392delCAA variant is predicted to result in an in-frame deletion (p.Asn2130del). This variant can also be referred to as c.4831-2593_4831-2591delCAA with the neuronal specific isoform, NM_001144769. To our knowledge, this variant has not been reported in the literature. This variant is reported in 0.020% of alleles in individuals of East Asian descent in gnomAD. At this time, the clinical significance of this variant is uncertain due to the absence of conclusive functional and genetic evidence.

Labcorp Genetics (formerly Invitae), Labcorp
Classification: Uncertain significance for Epidermolysis bullosa simplex 3, localized or generalized intermediate, with BP230 deficiency; Hereditary sensory and autonomic neuropathy type 6. Last evaluated: 2024-04-16. Review status: criteria provided, single submitter. Criteria: Invitae Variant Classification Sherloc (09022015). Collection method: clinical testing. Allele origin: germline.
Comment: This variant, c.6390_6392del, results in the deletion of 1 amino acid(s) of the DST protein (p.Asn2130del), but otherwise preserves the integrity of the reading frame. This variant is present in population databases (rs768170608, gnomAD 0.02%). This variant has not been reported in the literature in individuals affected with DST-related conditions. Experimental studies and prediction algorithms are not available or were not evaluated, and the functional significance of this variant is currently unknown. In summary, the available evidence is currently insufficient to determine the role of this variant in disease. Therefore, it has been classified as a Variant of Uncertain Significance.